The following is an entry in ClinVar:

NM_001367624.2(ZNF469):c.3458C>T (p.Ala1153Val)

Gene: ZNF469 (zinc finger protein 469; plus strand). Cytogenetic location: 16q24.2.
Variant type: single nucleotide variant.
Coding change: c.3458C>T on transcript NM_001367624.2 (MANE Select); coding-DNA position 3458, C replaced by T.
Protein change: p.Ala1153Val; replaces alanine 1153 with valine.
Molecular consequence: missense variant.
Genome position (GRCh38, 1-based): chr16:88,430,928, C>T. VCF-style: chr16-88430928-C-T. GRCh37 (hg19) VCF-style: chr16-88497336-C-T.
Other names: short protein forms A1153V.
Identifiers: ClinVar variation 2101648 (VCV002101648.1), dbSNP rs779180717, ClinGen allele CA8224855.

ClinVar aggregate classification (germline): Uncertain significance (1 of 4 stars; one submission).

Allele frequency attached by ClinVar (database versions not stated): gnomAD 0.00001; 1000 Genomes Project 30x 0.00016; ExAC 0.00017.
gnomAD v4.1: 25 of 1,536,308 alleles (0.0016%); highest among the groups gnomAD compares: South Asian, 0.025%; 1 homozygote.

Submission:

Labcorp Genetics (formerly Invitae), Labcorp
Classification: Uncertain significance. Last evaluated: 2022-03-29. Review status: criteria provided, single submitter. Criteria: Invitae Variant Classification Sherloc (09022015). Collection method: clinical testing. Allele origin: germline.
Comment: This sequence change replaces alanine, which is neutral and non-polar, with valine, which is neutral and non-polar, at codon 1125 of the ZNF469 protein (p.Ala1125Val). This variant is present in population databases (rs779180717, gnomAD 0.04%), including at least one homozygous and/or hemizygous individual. This variant has not been reported in the literature in individuals affected with ZNF469-related conditions. Algorithms developed to predict the effect of missense changes on protein structure and function (SIFT, PolyPhen-2, Align-GVGD) all suggest that this variant is likely to be tolerated. In summary, the available evidence is currently insufficient to determine the role of this variant in disease. Therefore, it has been classified as a Variant of Uncertain Significance.